The following is an entry in ClinVar:

ClinVar aggregate classification (germline): Uncertain significance. Review status: criteria provided, multiple submitters, no conflicts (2 of 4 stars). 2 submissions from 2 submitters: Uncertain significance (2). Last evaluated 2024-03-10.

Allele frequency attached by ClinVar (database versions not stated): gnomAD 0.00001.
gnomAD v4.1: 1 of 1,540,570 alleles (0.000065%); highest among the groups gnomAD compares: East Asian, 0.0025%; no homozygotes.

Submissions (2):

Women's Health and Genetics/Laboratory Corporation of America, LabCorp
Classification: Uncertain significance. Last evaluated: 2024-03-10. Review status: criteria provided, single submitter. Criteria: LabCorp Variant Classification Summary - May 2015. Collection method: clinical testing. Allele origin: germline.
Comment: Variant summary: EYS c.9368A>C (p.Asn3123Thr) results in a non-conservative amino acid change located in the Laminin G domain (IPR001791) of the encoded protein sequence. Three of four in-silico tools predict a benign effect of the variant on protein function. The variant was absent in 147888 control chromosomes. The available data on variant occurrences in the general population are insufficient to allow any conclusion about variant significance. c.9368A>C has been reported in the literature as a compound heterozygous genotype in at-least one individual with Retinitis Pigmentosa (RP) (example, Huang_2015, cited in Gu_2016 and Xu_2021). These data do not allow any conclusion about variant significance. To our knowledge, no experimental evidence demonstrating an impact on protein function has been reported. The following publications have been ascertained in the context of this evaluation (PMID: 27375351, 25356976, 34178978). ClinVar contains an entry for this variant (Variation ID: 841960). Based on the evidence outlined above, the variant was classified as uncertain significance.

Labcorp Genetics (formerly Invitae), Labcorp
Classification: Uncertain significance. Last evaluated: 2022-09-13. Review status: criteria provided, single submitter. Criteria: Invitae Variant Classification Sherloc (09022015). Collection method: clinical testing. Allele origin: germline.
Comment: This sequence change replaces asparagine, which is neutral and polar, with threonine, which is neutral and polar, at codon 3123 of the EYS protein (p.Asn3123Thr). This variant is present in population databases (no rsID available, gnomAD 0.06%). This missense change has been observed in individual(s) with retinitis pigmentosa (PMID: 25356976). ClinVar contains an entry for this variant (Variation ID: 841960). Advanced modeling of protein sequence and biophysical properties (such as structural, functional, and spatial information, amino acid conservation, physicochemical variation, residue mobility, and thermodynamic stability) has been performed at Invitae for this missense variant, however the output from this modeling did not meet the statistical confidence thresholds required to predict the impact of this variant on EYS protein function. In summary, the available evidence is currently insufficient to determine the role of this variant in disease. Therefore, it has been classified as a Variant of Uncertain Significance.

Literature cited by the submitters: PubMed 25356976 (cited by Women's Health and Genetics/Laboratory Corporation of America, LabCorp and Labcorp Genetics (formerly Invitae), Labcorp); PubMed 27375351 (cited by Women's Health and Genetics/Laboratory Corporation of America, LabCorp); PubMed 34178978 (cited by Women's Health and Genetics/Laboratory Corporation of America, LabCorp).

NM_001142800.2(EYS):c.9368A>C (p.Asn3123Thr)

Genes: EYS (eyes shut homolog; minus strand), PHF3 (PHD finger protein 3; plus strand). Cytogenetic location: 6q12.
Variant type: single nucleotide variant.
Coding change: c.9368A>C on transcript NM_001142800.2 (MANE Select); coding-DNA position 9368, A replaced by C.
Protein change: p.Asn3123Thr; replaces asparagine 3123 with threonine.
Molecular consequence: missense variant. On other transcripts: 3 prime UTR variant (5).
Genome position (GRCh38, 1-based): chr6:63,720,663, T>G on the plus strand (A>C on the coding strand, the complement: EYS is on the minus strand). VCF-style: chr6-63720663-T-G. GRCh37 (hg19) VCF-style: chr6-64430559-T-G.
Other names: c.*6955T>G (NM_001290259.2, NM_001370348.2, NM_001370349.2 and 2 more transcripts); c.9431A>C, p.Asn3144Thr (NM_001292009.2); short protein forms N3144T, N3123T.
Identifiers: ClinVar variation 841960 (VCV000841960.8), dbSNP rs1420530149, ClinGen allele CA364382636.
Genomic context (GRCh38, chr6:63,720,663, plus strand): 5'-ACCTCATTTTGTTCATCTCCATCATAAACATTGTATCCTTCTAATTTAATTAGTTCAATG[T>G]TTTTTGGTTCCTGAAAAAATACAACATCTTTAATTTTGCCAACAAAATTGGTTTTAAAAA-3'
Protein context (NP_001136272.1, residues 3113-3133): KDVVFFQEPK[Asn3123Thr]IELIKLEGYN